The following is an entry in ClinVar:

NM_020338.4(ZMIZ1):c.2286+7G>A

Gene: ZMIZ1 (zinc finger MIZ-type containing 1; plus strand). Cytogenetic location: 10q22.3.
Variant type: single nucleotide variant.
Coding change: c.2286+7G>A on transcript NM_020338.4 (MANE Select); 7 bases into the intron after coding-DNA position 2286, G replaced by A.
Molecular consequence: intron variant.
Genome position (GRCh38, 1-based): chr10:79,304,182, G>A. VCF-style: chr10-79304182-G-A. GRCh37 (hg19) VCF-style: chr10-81063939-G-A.
Identifiers: ClinVar variation 2037427 (VCV002037427.19), dbSNP rs200834820, ClinGen allele CA5572950.
Genomic context (GRCh38, chr10:79,304,182, plus strand): 5'-ACATTCCGGCGCATCCAGCTGCCTGCTCGAGGACACGATTGCAAGCATGTGCAGGTGAGC[G>A]GCCCCAGAAAGCACAGCTCTGGCAAGCCACCTAGACTCTGGCTGGGATGGTGAGGGGTAG-3'

ClinVar aggregate classification (germline): Benign/Likely benign. Review status: criteria provided, multiple submitters, no conflicts (2 of 4 stars). 3 submissions from 3 submitters: Benign (2); Likely benign (1). Last evaluated 2026-01-05.

Allele frequency attached by ClinVar (database versions not stated): gnomAD exomes 0.00011; ExAC 0.00038; 1000 Genomes Project 0.00080; 1000 Genomes Project 30x 0.00094; TOPMed 0.00116; gnomAD 0.00121; ESP Exome Variant Server 0.00138.
gnomAD v4.1: 338 of 1,610,838 alleles (0.021%); highest among the groups gnomAD compares: African/African-American, 0.4%; 2 homozygotes.

Submissions (3):

Labcorp Genetics (formerly Invitae), Labcorp
Classification: Benign. Last evaluated: 2026-01-05. Review status: criteria provided, single submitter. Criteria: Invitae Variant Classification Sherloc (09022015). Collection method: clinical testing. Allele origin: germline.

Blueprint Genetics
Classification: Likely benign. Last evaluated: 2024-11-11. Review status: criteria provided, single submitter. Criteria: ACMG Guidelines, 2015. Collection method: clinical testing. Allele origin: germline.

CeGaT Center for Human Genetics Tuebingen
Classification: Benign. Last evaluated: 2024-10-01. Review status: criteria provided, single submitter. Criteria: CeGaT Center For Human Genetics Tuebingen Variant Classification Criteria Version 2. Collection method: clinical testing. Allele origin: germline. Affected: yes. Observed: 1 variant allele.
Comment: ZMIZ1: BP4, BS1, BS2